The following is an entry in ClinVar:

NM_001692.4(ATP6V1B1):c.5C>A (p.Ala2Asp)

Gene: ATP6V1B1 (ATPase H+ transporting V1 subunit B1; plus strand). Cytogenetic location: 2p13.3.
Variant type: single nucleotide variant.
Coding change: c.5C>A on transcript NM_001692.4 (MANE Select); coding-DNA position 5, C replaced by A.
Protein change: p.Ala2Asp; replaces alanine 2 with aspartic acid.
Molecular consequence: missense variant.
Genome position (GRCh38, 1-based): chr2:70,935,959, C>A. VCF-style: chr2-70935959-C-A. GRCh37 (hg19) VCF-style: chr2-71163089-C-A.
Other names: short protein forms A2D.
Identifiers: ClinVar variation 228447 (VCV000228447.5), dbSNP rs876657744, ClinGen allele CA10577204.

ClinVar aggregate classification (germline): Uncertain significance. Review status: criteria provided, single submitter (1 of 4 stars). 2 submissions from 2 submitters: Uncertain significance (1). 1 of the submissions does not count toward it. Last evaluated 2015-02-20.

Conditions:
Renal tubular acidosis with progressive nerve deafness. Also called: Distal Renal Tubular Acidosis with Progressive Sensorineural Deafness; RENAL TUBULAR ACIDOSIS, AUTOSOMAL RECESSIVE, WITH PROGRESSIVE NERVE DEAFNESS; RTA WITH PROGRESSIVE NERVE DEAFNESS; renal tubular acidosis, distal, 2, with progressive sensorineural hearing loss. Identifiers: MedGen C0403554, MONDO:0009968, OMIM 267300.

Allele frequency attached by ClinVar (database versions not stated): gnomAD exomes below 0.00001.
gnomAD v4.1: 1 of 1,613,226 alleles (0.000062%); highest among the groups gnomAD compares: Non-Finnish European, 0.000085%; no homozygotes.

Submissions (2):

Laboratory for Molecular Medicine, Mass General Brigham Personalized Medicine
Classification: Uncertain significance. Last evaluated: 2015-02-20. Review status: criteria provided, single submitter. Criteria: LMM Criteria. Collection method: clinical testing. Allele origin: germline. Observed: 1 variant allele.
Comment: The p.Ala2Asp variant in ATP6V1B1 has not been previously reported in individual s with hearing loss and was absent from large population studies. Computational prediction tools and conservation analyses do not provide strong support for or against an impact to the protein. In summary, the clinical significance of the p .Ala2Asp variant is uncertain.

Natera, Inc.
Classification: Uncertain significance for Renal tubular acidosis with progressive nerve deafness. Last evaluated: 2020-02-21. Review status: no assertion criteria provided. Collection method: clinical testing. Allele origin: germline. Not counted in ClinVar's aggregate classification.